The following is an entry in ClinVar:

ClinVar aggregate classification (germline): Conflicting classifications of pathogenicity. Review status: criteria provided, conflicting classifications (1 of 4 stars). 4 submissions from 4 submitters: Uncertain significance (3); Likely benign (1). Last evaluated 2025-01-28.

Conditions:
Hereditary breast ovarian cancer syndrome. Also called: Hereditary breast and ovarian cancer syndrome; BRCA1- and BRCA2-Associated Hereditary Breast and Ovarian Cancer; Hereditary breast and/or ovarian cancer syndrome; Breast and ovarian cancer; Hereditary breast and ovarian cancer; Hereditary breast and ovarian cancer syndrome (HBOC). Identifiers: Orphanet 145, MedGen C0677776, MeSH D061325, MONDO:0003582. Disease mechanism: loss of function.
Hereditary cancer-predisposing syndrome. Also called: Neoplastic Syndromes, Hereditary; Hereditary neoplastic syndrome; Hereditary Cancer Syndrome; Tumor predisposition. Identifiers: Orphanet 140162, MedGen C0027672, MeSH D009386, MONDO:0015356.

Submissions (4):

Labcorp Genetics (formerly Invitae), Labcorp
Classification: Uncertain significance for Hereditary breast ovarian cancer syndrome. Last evaluated: 2025-01-28. Review status: criteria provided, single submitter. Criteria: Invitae Variant Classification Sherloc (09022015). Collection method: clinical testing. Allele origin: germline.
Comment: This sequence change replaces alanine, which is neutral and non-polar, with valine, which is neutral and non-polar, at codon 1587 of the BRCA2 protein (p.Ala1587Val). This variant is not present in population databases (gnomAD no frequency). This variant has not been reported in the literature in individuals affected with BRCA2-related conditions. ClinVar contains an entry for this variant (Variation ID: 449727). Invitae Evidence Modeling of protein sequence and biophysical properties (such as structural, functional, and spatial information, amino acid conservation, physicochemical variation, residue mobility, and thermodynamic stability) indicates that this missense variant is not expected to disrupt BRCA2 protein function with a negative predictive value of 95%. In summary, the available evidence is currently insufficient to determine the role of this variant in disease. Therefore, it has been classified as a Variant of Uncertain Significance.

Ambry Genetics
Classification: Uncertain significance for Hereditary cancer-predisposing syndrome. Last evaluated: 2024-11-20. Review status: criteria provided, single submitter. Criteria: Ambry Variant Classification Scheme 2023. Collection method: clinical testing. Allele origin: germline.
Comment: The p.A1587V variant (also known as c.4760C>T), located in coding exon 10 of the BRCA2 gene, results from a C to T substitution at nucleotide position 4760. The alanine at codon 1587 is replaced by valine, an amino acid with similar properties. This amino acid position is conserved. In addition, this alteration is predicted to be tolerated by in silico analysis. Based on the available evidence, the clinical significance of this variant remains unclear.

University of Washington Department of Laboratory Medicine, University of Washington
Classification: Likely benign for Hereditary cancer-predisposing syndrome. Last evaluated: 2023-03-23. Review status: criteria provided, single submitter. Criteria: Dines et al. (Genet Med. 2020). Collection method: curation. Allele origin: germline.
Comment: Missense variant in a coldspot region where missense variants are very unlikely to be pathogenic (PMID:31911673).

BRCA2 exon 11 coldspot. Reclassification based on statistical prior probability.

GeneDx
Classification: Uncertain significance. Last evaluated: 2020-11-06. Review status: criteria provided, single submitter. Criteria: GeneDx Variant Classification Process June 2021. Collection method: clinical testing. Allele origin: germline. Affected: yes.
Comment: Not observed in large population cohorts (Lek et al., 2016); In silico analysis supports that this missense variant does not alter protein structure/function; Has not been previously published as pathogenic or benign to our knowledge; Also known as 4988C>T; This variant is associated with the following publications: (PMID: n/a)

NM_000059.4(BRCA2):c.4760C>T (p.Ala1587Val)

Gene: BRCA2 (BRCA2 DNA repair associated; plus strand). Cytogenetic location: 13q13.1.
Variant type: single nucleotide variant.
Coding change: c.4760C>T on transcript NM_000059.4 (MANE Select); coding-DNA position 4760, C replaced by T.
Protein change: p.Ala1587Val; replaces alanine 1587 with valine.
Molecular consequence: missense variant.
Genome position (GRCh38, 1-based): chr13:32,339,115, C>T. VCF-style: chr13-32339115-C-T. GRCh37 (hg19) VCF-style: chr13-32913252-C-T.
Other names: short protein forms A1587V.
Identifiers: ClinVar variation 449727 (VCV000449727.7), dbSNP rs1555283930, ClinGen allele CA387783129.